The following is an entry in ClinVar:

NM_007126.5(VCP):c.*12C>T

Gene: VCP (valosin containing protein; minus strand). Cytogenetic location: 9p13.3.
Variant type: single nucleotide variant.
Coding change: c.*12C>T on transcript NM_007126.5 (MANE Select); 12 bases downstream of the stop codon, C replaced by T.
Molecular consequence: 3 prime UTR variant.
Genome position (GRCh38, 1-based): chr9:35,057,105, G>A on the plus strand (C>T on the coding strand, the complement: VCP is on the minus strand). VCF-style: chr9-35057105-G-A. GRCh37 (hg19) VCF-style: chr9-35057102-G-A.
Other names: c.*12C>T (NM_001354927.2, NM_001354928.2).
Identifiers: ClinVar variation 913746 (VCV000913746.6), dbSNP rs62544156, ClinGen allele CA5039056.

ClinVar aggregate classification (germline): Benign/Likely benign. Review status: criteria provided, multiple submitters, no conflicts (2 of 4 stars). 4 submissions from 3 submitters: Benign (2); Likely benign (2). Last evaluated 2025-09-22.

Conditions:
Inclusion body myopathy with Paget disease of bone and frontotemporal dementia type 1. Also called: Inclusion body myopathy with early-onset Paget disease with or without frontotemporal dementia 1; MULTISYSTEM PROTEINOPATHY 1; Inclusion body myopathy with early-onset Paget disease and frontotemporal dementia 1. Identifiers: MedGen C4551951, MONDO:0008178, OMIM 167320.
Frontotemporal dementia and/or amyotrophic lateral sclerosis 6 (FTDALS6). Also called: VCP-Related Amyotrophic Lateral Sclerosis; VCP-Related Amyotrophic Lateral Sclerosis/Frontotemporal Dementia. Identifiers: Orphanet 275872, Orphanet 803, MedGen C5436279, MONDO:0013501, OMIM 613954.

Allele frequency attached by ClinVar (database versions not stated): 1000 Genomes Project 0.00020; 1000 Genomes Project 30x 0.00047; gnomAD 0.00080 and 0.00088; ESP Exome Variant Server 0.00092; TOPMed 0.00093; gnomAD exomes 0.00106 and 0.00124; ExAC 0.00110.
gnomAD v4.1: 1,915 of 1,613,728 alleles (0.12%); highest among the groups gnomAD compares: Non-Finnish European, 0.14%; 2 homozygotes.

Submissions (4):

Women's Health and Genetics/Laboratory Corporation of America, LabCorp
Classification: Benign. Last evaluated: 2025-09-22. Review status: criteria provided, single submitter. Criteria: LabCorp Variant Classification Summary - May 2015. Collection method: clinical testing. Allele origin: germline.

Blueprint Genetics
Classification: Likely benign. Last evaluated: 2024-11-14. Review status: criteria provided, single submitter. Criteria: ACMG Guidelines, 2015. Collection method: clinical testing. Allele origin: germline.

Illumina Laboratory Services, Illumina
Classification: Likely benign for Frontotemporal dementia and/or amyotrophic lateral sclerosis 6. Last evaluated: 2018-01-13. Review status: criteria provided, single submitter. Criteria: ICSL Variant Classification Criteria 13 December 2019. Collection method: clinical testing. Allele origin: germline.
Comment: This variant was observed in the ICSL laboratory as part of a predisposition screen in an ostensibly healthy population. It had not been previously curated by ICSL or reported in the Human Gene Mutation Database (HGMD: prior to June 1st, 2018), and was therefore a candidate for classification through an automated scoring system. Utilizing variant allele frequency, disease prevalence and penetrance estimates, and inheritance mode, an automated score was calculated to assess if this variant is too frequent to cause the disease. Based on the score and internal cut-off values, a variant classified as likely benign is not then subjected to further curation. The score for this variant resulted in a classification of likely benign for this disease.

Illumina Laboratory Services, Illumina
Classification: Benign for Inclusion body myopathy with Paget disease of bone and frontotemporal dementia type 1. Last evaluated: 2018-01-13. Review status: criteria provided, single submitter. Criteria: ICSL Variant Classification Criteria 13 December 2019. Collection method: clinical testing. Allele origin: germline.
Comment: This variant was observed in the ICSL laboratory as part of a predisposition screen in an ostensibly healthy population. It had not been previously curated by ICSL or reported in the Human Gene Mutation Database (HGMD: prior to June 1st, 2018), and was therefore a candidate for classification through an automated scoring system. Utilizing variant allele frequency, disease prevalence and penetrance estimates, and inheritance mode, an automated score was calculated to assess if this variant is too frequent to cause the disease. Based on the score and internal cut-off values, a variant classified as benign is not then subjected to further curation. The score for this variant resulted in a classification of benign for this disease.